The following is an entry in ClinVar:

ClinVar aggregate classification (germline): Benign/Likely benign. Review status: criteria provided, multiple submitters, no conflicts (2 of 4 stars). 5 submissions from 5 submitters: Benign (3); Likely benign (2). Last evaluated 2026-01-28.

Conditions:
Developmental and epileptic encephalopathy, 50 (DEE50). Also called: Epileptic encephalopathy, early infantile, 50. Identifiers: Orphanet 448010, MedGen C4225320, MONDO:0014647, OMIM 616457.

Allele frequency attached by ClinVar (database versions not stated): gnomAD exomes 0.00033 and 0.00089; ExAC 0.00102; 1000 Genomes Project 0.00220; 1000 Genomes Project 30x 0.00234; gnomAD 0.00340 and 0.00369; TOPMed 0.00374; ESP Exome Variant Server 0.00438.
gnomAD v4.1: 1,007 of 1,614,194 alleles (0.062%); highest among the groups gnomAD compares: African/African-American, 1.2%; 5 homozygotes.

Submissions (5):

Labcorp Genetics (formerly Invitae), Labcorp
Classification: Benign. Last evaluated: 2026-01-28. Review status: criteria provided, single submitter. Criteria: Invitae Variant Classification Sherloc (09022015). Collection method: clinical testing. Allele origin: germline.

CeGaT Center for Human Genetics Tuebingen
Classification: Likely benign. Last evaluated: 2025-11-01. Review status: criteria provided, single submitter. Criteria: CeGaT Center For Human Genetics Tuebingen Variant Classification Criteria Version 2. Collection method: clinical testing. Allele origin: germline. Affected: yes. Observed: 2 variant alleles.
Comment: CAD: BP4, BP7, BS1

ARUP Laboratories, Molecular Genetics and Genomics, ARUP Laboratories
Classification: Benign for Developmental and epileptic encephalopathy, 50. Last evaluated: 2025-03-17. Review status: criteria provided, single submitter. Criteria: ARUP Molecular Germline Variant Investigation Process 2024. Collection method: clinical testing. Allele origin: germline.

Blueprint Genetics
Classification: Likely benign. Last evaluated: 2024-10-18. Review status: criteria provided, single submitter. Criteria: ACMG Guidelines, 2015. Collection method: clinical testing. Allele origin: germline.

Breakthrough Genomics
Classification: Benign. Review status: criteria provided, single submitter. Criteria: ACMG Guidelines, 2015. Collection method: not provided. Allele origin: germline. Inheritance: Autosomal recessive inheritance. Affected: yes.

NM_004341.5(CAD):c.3537G>A (p.Leu1179=)

Gene: CAD (carbamoyl-phosphate synthetase 2, aspartate transcarbamylase, and dihydroorotase; plus strand). Cytogenetic location: 2p23.3.
Variant type: single nucleotide variant.
Coding change: c.3537G>A on transcript NM_004341.5 (MANE Select); coding-DNA position 3537, G replaced by A.
Protein change: p.Leu1179=; no amino-acid change (leucine 1179 retained).
Molecular consequence: synonymous variant.
Genome position (GRCh38, 1-based): chr2:27,234,145, G>A. VCF-style: chr2-27234145-G-A. GRCh37 (hg19) VCF-style: chr2-27457013-G-A.
Other names: c.3348G>A, p.Leu1116= (NM_001306079.2).
Identifiers: ClinVar variation 716682 (VCV000716682.27), dbSNP rs61737362, ClinGen allele CA1573299.